The following is an entry in ClinVar:

NM_018344.6(SLC29A3):c.717C>T (p.Val239=)

Gene: SLC29A3 (solute carrier family 29 member 3; plus strand). Cytogenetic location: 10q22.1.
Variant type: single nucleotide variant.
Coding change: c.717C>T on transcript NM_018344.6 (MANE Select); coding-DNA position 717, C replaced by T.
Protein change: p.Val239=; no amino-acid change (valine 239 retained).
Molecular consequence: synonymous variant. On other transcripts: non-coding transcript variant (2).
Genome position (GRCh38, 1-based): chr10:71,356,187, C>T. VCF-style: chr10-71356187-C-T. GRCh37 (hg19) VCF-style: chr10-73115944-C-T.
Other names: c.717C>T (NM_018344.5); c.717C>T, p.Val239= (NM_001174098.2); c.483C>T, p.Val161= (NM_001363518.2).
Identifiers: ClinVar variation 1543724 (VCV001543724.9), dbSNP rs765482832, ClinGen allele CA5543030.

ClinVar aggregate classification (germline): Benign/Likely benign. Review status: criteria provided, multiple submitters, no conflicts (2 of 4 stars). 2 submissions from 2 submitters: Benign (1); Likely benign (1). Last evaluated 2025-03-24.

Conditions:
SLC29A3-related disorder. Also called: SLC29A3-related condition.
H syndrome. Also called: HISTIOCYTOSIS AND LYMPHADENOPATHY WITH OR WITHOUT CUTANEOUS, CARDIAC, AND/OR ENDOCRINE FEATURES, JOINT CONTRACTURES, AND/OR DEAFNESS; HYPERPIGMENTATION, CUTANEOUS, WITH HYPERTRICHOSIS, HEPATOSPLENOMEGALY, HEART ANOMALIES, AND HYPOGONADISM WITH OR WITHOUT HEARING LOSS; PIGMENTED HYPERTRICHOSIS WITH INSULIN-DEPENDENT DIABETES MELLITUS; ROSAI-DORFMAN DISEASE, FAMILIAL; SINUS HISTIOCYTOSIS AND MASSIVE LYMPHADENOPATHY; Hyperpigmentation, Cutaneous, with Hypertrichosis, Hepatosplenomegaly, Heart Anomalies, Hearing Loss, and Hypogonadism. Identifiers: Orphanet 168569, MedGen C1864445, MONDO:0011273, OMIM 602782.

Allele frequency attached by ClinVar (database versions not stated): gnomAD 0.00001; gnomAD exomes 0.00001 and 0.00013; TOPMed 0.00002; ExAC 0.00003.
gnomAD v4.1: 19 of 1,613,792 alleles (0.0012%); highest among the groups gnomAD compares: Admixed American, 0.005%; no homozygotes.

Submissions (2):

Labcorp Genetics (formerly Invitae), Labcorp
Classification: Benign for H syndrome. Last evaluated: 2025-03-24. Review status: criteria provided, single submitter. Criteria: Invitae Variant Classification Sherloc (09022015). Collection method: clinical testing. Allele origin: germline.

PreventionGenetics, part of Exact Sciences
Classification: Likely benign for SLC29A3-related condition. Last evaluated: 2025-02-19. Review status: criteria provided, single submitter. Criteria: ACMG Guidelines, 2015. Collection method: clinical testing. Allele origin: germline.
Comment: This variant is classified as likely benign based on ACMG/AMP sequence variant interpretation guidelines (Richards et al. 2015 PMID: 25741868, with internal and published modifications).